The following is an entry in ClinVar:

NM_198129.4(LAMA3):c.5725-1G>A

Gene: LAMA3 (laminin subunit alpha 3; plus strand). Cytogenetic location: 18q11.2.
Variant type: single nucleotide variant.
Coding change: c.5725-1G>A on transcript NM_198129.4 (MANE Select); the canonical splice acceptor site of the intron before coding-DNA position 5725, G replaced by A.
Molecular consequence: splice acceptor variant.
Genome position (GRCh38, 1-based): chr18:23,898,953, G>A. VCF-style: chr18-23898953-G-A. GRCh37 (hg19) VCF-style: chr18-21478917-G-A.
Other names: c.5725-1G>A (NM_001127717.4); c.898-1G>A (NM_000227.6, NM_001127718.4).
Identifiers: ClinVar variation 2711081 (VCV002711081.4), dbSNP rs1475516253, ClinGen allele CA402046560.
Genomic context (GRCh38, chr18:23,898,953, plus strand): 5'-AAGTATTTTTATTTTTCCTTATTGACTTAATTTGCTGCTAATCAATTTATTTTTCATATA[G>A]GCTCAAGTAAATTCCAGAAAAGCACAAACATTAAACAACAATGTTAATCGGGCAACACAA-3'

ClinVar aggregate classification (germline): Likely pathogenic. Review status: criteria provided, multiple submitters, no conflicts (2 of 4 stars). 2 submissions from 2 submitters: Likely pathogenic (2). Last evaluated 2025-04-28.

Conditions:
Junctional epidermolysis bullosa. Identifiers: Orphanet 305, MedGen C0079301, MONDO:0017612.

Allele frequency attached by ClinVar (database versions not stated): TOPMed below 0.00001.

Submissions (2):

Myriad Genetics, Inc.
Classification: Likely pathogenic for Junctional epidermolysis bullosa. Last evaluated: 2025-04-28. Review status: criteria provided, single submitter. Criteria: Myriad Autosomal Dominant, Autosomal Recessive and X-Linked Classification Criteria (2023). Collection method: clinical testing. Allele origin: unknown.
Comment: NM_000227.3(LAMA3):c.898-1G>A is a variant in a canonical splice site classified as likely pathogenic in the context of junctional epidermolysis bullosa, LAMA3-related. c.898-1G>A has not been observed in cases with relevant disease. Relevant functional assessments of this variant are not available in the literature. c.898-1G>A has not been observed in referenced population frequency databases. In summary, NM_000227.3(LAMA3):c.898-1G>A is a variant in a canonical splice site in a gene where loss of function is a known mechanism of disease and is predicted to disrupt protein function. Please note: this variant was assessed in the context of healthy population screening.

Labcorp Genetics (formerly Invitae), Labcorp
Classification: Likely pathogenic. Last evaluated: 2024-01-24. Review status: criteria provided, single submitter. Criteria: Invitae Variant Classification Sherloc (09022015). Collection method: clinical testing. Allele origin: germline.
Comment: This sequence change affects an acceptor splice site in intron 8 of the LAMA3 gene. It is expected to disrupt RNA splicing. Variants that disrupt the donor or acceptor splice site typically lead to a loss of protein function (PMID: 16199547), and loss-of-function variants in LAMA3 are known to be pathogenic (PMID: 10366601, 11810295, 12915477, 16473856, 17362460, 22434185, 23869449, 27827380, 28087116). This variant is not present in population databases (gnomAD no frequency). This variant has not been reported in the literature in individuals affected with LAMA3-related conditions. Algorithms developed to predict the effect of sequence changes on RNA splicing suggest that this variant may disrupt the consensus splice site. In summary, the currently available evidence indicates that the variant is pathogenic, but additional data are needed to prove that conclusively. Therefore, this variant has been classified as Likely Pathogenic.

Literature cited by the submitters: PubMed 16199547 (cited by Labcorp Genetics (formerly Invitae), Labcorp); PubMed 10366601 (cited by Labcorp Genetics (formerly Invitae), Labcorp); PubMed 11810295 (cited by Labcorp Genetics (formerly Invitae), Labcorp); PubMed 12915477 (cited by Labcorp Genetics (formerly Invitae), Labcorp); PubMed 16473856 (cited by Labcorp Genetics (formerly Invitae), Labcorp); PubMed 17362460 (cited by Labcorp Genetics (formerly Invitae), Labcorp); PubMed 22434185 (cited by Labcorp Genetics (formerly Invitae), Labcorp); PubMed 23869449 (cited by Labcorp Genetics (formerly Invitae), Labcorp); PubMed 27827380 (cited by Labcorp Genetics (formerly Invitae), Labcorp); PubMed 28087116 (cited by Labcorp Genetics (formerly Invitae), Labcorp).